The following is an entry in ClinVar:

ClinVar aggregate classification (germline): Uncertain significance (1 of 4 stars; one submission).

Conditions:
Aicardi-Goutieres syndrome 5. Identifiers: Orphanet 51, MedGen C2749659, MONDO:0013059, OMIM 612952.

Submission:

Neuberg Centre For Genomic Medicine, NCGM
Classification: Uncertain significance for Aicardi-Goutieres syndrome 5. Last evaluated: 2023-06-22. Review status: criteria provided, single submitter. Criteria: ACMG Guidelines, 2015. Collection method: clinical testing. Allele origin: germline. Inheritance: Autosomal recessive inheritance. Affected: yes.
Comment: The observed missense variant c.1401G>C(p.Lys467Asn) in SAMHD1 gene has not been reported previously as a pathogenic variant nor as a benign variant, to our knowledge. This variant is absent in gnomAD Exomes. The amino acid Lys at position 467 is changed to a Asn changing protein sequence and it might alter its composition and physico-chemical properties. Computational evidence (Polyphen-Benign, SIFT-Tolerated and MutationTaster-disease causing) predicts conflicting evidence on protein structure and function for this variant.The reference amino acid p.Lys467Asn in SAMHD1 is predicted as conserved by GERP++ and PhyloP across 100 vertebrates. For these reasons, this variant has been classified as Uncertain Significance.

NM_015474.4(SAMHD1):c.1401G>C (p.Lys467Asn)

Gene: SAMHD1 (SAM and HD domain containing deoxynucleoside triphosphate triphosphohydrolase 1; minus strand). Cytogenetic location: 20q11.23.
Variant type: single nucleotide variant.
Coding change: c.1401G>C on transcript NM_015474.4 (MANE Select); coding-DNA position 1401, G replaced by C.
Protein change: p.Lys467Asn; replaces lysine 467 with asparagine.
Molecular consequence: missense variant.
Genome position (GRCh38, 1-based): chr20:36,905,373, C>G on the plus strand (G>C on the coding strand, the complement: SAMHD1 is on the minus strand). VCF-style: chr20-36905373-C-G. GRCh37 (hg19) VCF-style: chr20-35533776-C-G.
Other names: c.1401G>C, p.Lys467Asn (NM_001363729.2, NM_001363733.2); short protein forms K467N.
Identifiers: ClinVar variation 3731412 (VCV003731412.1).